The following is an entry in ClinVar:

NM_014625.4(NPHS2):c.*258A>G

Genes: NPHS2 (NPHS2 stomatin family member, podocin; minus strand), AXDND1 (axonemal dynein light chain domain containing 1; plus strand). Cytogenetic location: 1q25.2.
Variant type: single nucleotide variant.
Coding change: c.*258A>G on transcript NM_014625.4 (MANE Select); 258 bases downstream of the stop codon, A replaced by G.
Molecular consequence: 3 prime UTR variant. On other transcripts: intron variant (1).
Genome position (GRCh38, 1-based): chr1:179,550,915, T>C on the plus strand (A>G on the coding strand, the complement: NPHS2 is on the minus strand). VCF-style: chr1-179550915-T-C. GRCh37 (hg19) VCF-style: chr1-179520050-T-C.
Other names: c.*258A>G (NM_001297575.2); c.3032-3597T>C (NM_144696.6).
Identifiers: ClinVar variation 224485 (VCV000224485.10), dbSNP rs2274622, ClinGen allele CA354124.

ClinVar aggregate classification (germline): Benign. Review status: criteria provided, multiple submitters, no conflicts (2 of 4 stars). 5 submissions from 5 submitters: Benign (4). 1 of the submissions does not count toward it. Last evaluated 2021-07-08.

Conditions:
Nephrotic syndrome, type 2 (NPHS2). Also called: NEPHROTIC SYNDROME, STEROID-RESISTANT, AUTOSOMAL RECESSIVE. Identifiers: Orphanet 656, MedGen C1868672, MONDO:0010974, OMIM 600995.

Allele frequency attached by ClinVar (database versions not stated): gnomAD 0.23380 and 0.24072; TOPMed 0.24127; 1000 Genomes Project 30x 0.27717; 1000 Genomes Project 0.28315; gnomAD exomes 0.28653.
gnomAD v4.1: 140,066 of 512,930 alleles (27%); highest among the groups gnomAD compares: East Asian, 38%; 20,589 homozygotes.

Submissions (5):

Genome-Nilou Lab
Classification: Benign for Nephrotic syndrome, type 2. Last evaluated: 2021-07-08. Review status: criteria provided, single submitter. Criteria: ACMG Guidelines, 2015. Collection method: clinical testing. Allele origin: germline. Affected: no.

GeneDx
Classification: Benign. Last evaluated: 2019-08-20. Review status: criteria provided, single submitter. Criteria: GeneDx Variant Classification Process June 2021. Collection method: clinical testing. Allele origin: germline. Affected: yes.

Illumina Laboratory Services, Illumina
Classification: Benign for Nephrotic syndrome, type 2. Last evaluated: 2018-01-12. Review status: criteria provided, single submitter. Criteria: ICSL Variant Classification Criteria 13 December 2019. Collection method: clinical testing. Allele origin: germline.
Comment: This variant was observed in the ICSL laboratory as part of a predisposition screen in an ostensibly healthy population. It had not been previously curated by ICSL or reported in the Human Gene Mutation Database (HGMD: prior to June 1st, 2018), and was therefore a candidate for classification through an automated scoring system. Utilizing variant allele frequency, disease prevalence and penetrance estimates, and inheritance mode, an automated score was calculated to assess if this variant is too frequent to cause the disease. Based on the score and internal cut-off values, a variant classified as benign is not then subjected to further curation. The score for this variant resulted in a classification of benign for this disease.

Breakthrough Genomics
Classification: Benign. Review status: criteria provided, single submitter. Criteria: ACMG Guidelines, 2015. Collection method: not provided. Allele origin: germline. Inheritance: Autosomal recessive inheritance. Affected: yes.

Human Genetics Disease in Children – Taif University, Taif University
Classification: Benign for Nephrotic syndrome, type 2. Last evaluated: 2016-01-01. Review status: no assertion criteria provided. Collection method: clinical testing. Allele origin: unknown. Affected: yes. Not counted in ClinVar's aggregate classification.